The following is an entry in ClinVar:

ClinVar aggregate classification (germline): Likely benign. Review status: criteria provided, multiple submitters, no conflicts (2 of 4 stars). 4 submissions from 4 submitters: Likely benign (3). 1 of the submissions does not count toward it. Last evaluated 2026-01-27.

Conditions:
ADGRV1-related disorder. Also called: ADGRV1-related condition; ADGRV1-related disorders.

Allele frequency attached by ClinVar (database versions not stated): gnomAD exomes 0.00002 and 0.00003; ExAC 0.00004; gnomAD 0.00015; ESP Exome Variant Server 0.00017; TOPMed 0.00021; 1000 Genomes Project 30x 0.00031; 1000 Genomes Project 0.00040.
gnomAD v4.1: 53 of 1,607,216 alleles (0.0033%); highest among the groups gnomAD compares: African/African-American, 0.057%; no homozygotes.

Submissions (4):

Labcorp Genetics (formerly Invitae), Labcorp
Classification: Likely benign. Last evaluated: 2026-01-27. Review status: criteria provided, single submitter. Criteria: Invitae Variant Classification Sherloc (09022015). Collection method: clinical testing. Allele origin: germline.

Blueprint Genetics
Classification: Likely benign. Last evaluated: 2023-08-29. Review status: criteria provided, single submitter. Criteria: ACMG Guidelines, 2015. Collection method: clinical testing. Allele origin: germline.

Breakthrough Genomics
Classification: Likely benign. Review status: criteria provided, single submitter. Criteria: ACMG Guidelines, 2015. Collection method: not provided. Allele origin: germline. Inheritance: Autosomal recessive inheritance. Affected: yes.

PreventionGenetics, part of Exact Sciences
Classification: Likely benign for ADGRV1-related condition. Last evaluated: 2024-08-27. Review status: no assertion criteria provided. Collection method: clinical testing. Allele origin: germline. Not counted in ClinVar's aggregate classification.
Comment: This variant is classified as likely benign based on ACMG/AMP sequence variant interpretation guidelines (Richards et al. 2015 PMID: 25741868, with internal and published modifications).

NM_032119.4(ADGRV1):c.17868G>T (p.Leu5956=)

Gene: ADGRV1 (adhesion G protein-coupled receptor V1; plus strand). Cytogenetic location: 5q14.3.
Variant type: single nucleotide variant.
Coding change: c.17868G>T on transcript NM_032119.4 (MANE Select); coding-DNA position 17868, G replaced by T.
Protein change: p.Leu5956=; no amino-acid change (leucine 5956 retained).
Molecular consequence: synonymous variant. On other transcripts: non-coding transcript variant (1).
Genome position (GRCh38, 1-based): chr5:90,965,426, G>T. VCF-style: chr5-90965426-G-T. GRCh37 (hg19) VCF-style: chr5-90261243-G-T.
Other names: c.17868G>T (NM_032119.3).
Identifiers: ClinVar variation 1095220 (VCV001095220.12), dbSNP rs370381784, ClinGen allele CA3342492.